The following is an entry in ClinVar:

NM_004304.5(ALK):c.3229G>T (p.Glu1077Ter)

Gene: ALK (ALK receptor tyrosine kinase; minus strand). Cytogenetic location: 2p23.2.
Variant type: single nucleotide variant.
Coding change: c.3229G>T on transcript NM_004304.5 (MANE Select); coding-DNA position 3229, G replaced by T.
Protein change: p.Glu1077Ter; replaces glutamic acid 1077 with a stop codon.
Molecular consequence: nonsense.
Genome position (GRCh38, 1-based): chr2:29,223,472, C>A on the plus strand (G>T on the coding strand, the complement: ALK is on the minus strand). VCF-style: chr2-29223472-C-A. GRCh37 (hg19) VCF-style: chr2-29446338-C-A.
Other names: c.25G>T, p.Glu9Ter (NM_001353765.2); short protein forms E1077*, E9*.
Identifiers: ClinVar variation 572717 (VCV000572717.6), dbSNP rs1553394491, ClinGen allele CA346465404.

ClinVar aggregate classification (germline): Uncertain significance (1 of 4 stars; one submission).

Conditions:
Neuroblastoma, susceptibility to, 3. Also called: ALK-Related Neuroblastic Tumor Susceptibility. Identifiers: Orphanet 635, MedGen C2751681, MONDO:0013083, OMIM 613014.

Submission:

Labcorp Genetics (formerly Invitae), Labcorp
Classification: Uncertain significance for Neuroblastoma, susceptibility to, 3. Last evaluated: 2018-01-10. Review status: criteria provided, single submitter. Criteria: Invitae Variant Classification Sherloc (09022015). Collection method: clinical testing. Allele origin: germline.
Comment: In summary, the available evidence is currently insufficient to determine the role of this variant in disease. Therefore, it has been classified as a Variant of Uncertain Significance. The current clinical and genetic evidence is not sufficient to establish whether loss-of-function variants in ALK cause disease. This variant has not been reported in the literature in individuals with ALK-related disease. This variant is not present in population databases (ExAC no frequency). This sequence change creates a premature translational stop signal (p.Glu1077*) in the ALK gene. It is expected to result in an absent or disrupted protein product.